The following is an entry in ClinVar:

NM_000748.3(CHRNB2):c.166G>C (p.Val56Leu)

Gene: CHRNB2 (cholinergic receptor nicotinic beta 2 subunit; plus strand). Cytogenetic location: 1q21.3.
Variant type: single nucleotide variant.
Coding change: c.166G>C on transcript NM_000748.3 (MANE Select); coding-DNA position 166, G replaced by C.
Protein change: p.Val56Leu; replaces valine 56 with leucine.
Molecular consequence: missense variant.
Genome position (GRCh38, 1-based): chr1:154,569,563, G>C. VCF-style: chr1-154569563-G-C. GRCh37 (hg19) VCF-style: chr1-154542039-G-C.
Other names: short protein forms V56L.
Identifiers: ClinVar variation 2089391 (VCV002089391.4), dbSNP rs1425795615, ClinGen allele CA342629376.

ClinVar aggregate classification (germline): Uncertain significance (1 of 4 stars; one submission).

Conditions:
Familial sleep-related hypermotor epilepsy. Also called: Autosomal Dominant Sleep-Related Hypermotor (Hyperkinetic) Epilepsy. Identifiers: Orphanet 98784, MedGen C3696898, MONDO:0000030.

Allele frequency attached by ClinVar (database versions not stated): gnomAD 0.00001; TOPMed below 0.00001.
gnomAD v4.1: 1 of 1,614,004 alleles (0.000062%); highest among the groups gnomAD compares: Non-Finnish European, 0.000085%; no homozygotes.

Submission:

Labcorp Genetics (formerly Invitae), Labcorp
Classification: Uncertain significance. Last evaluated: 2026-01-24. Review status: criteria provided, single submitter. Criteria: Invitae Variant Classification Sherloc (09022015). Collection method: clinical testing. Allele origin: germline.
Comment: This sequence change replaces valine, which is neutral and non-polar, with leucine, which is neutral and non-polar, at codon 56 of the CHRNB2 protein (p.Val56Leu). This variant is not present in population databases (gnomAD no frequency). This variant has not been reported in the literature in individuals affected with CHRNB2-related conditions. ClinVar contains an entry for this variant (Variation ID: 2089391). Invitae Evidence Modeling of protein sequence and biophysical properties (such as structural, functional, and spatial information, amino acid conservation, physicochemical variation, residue mobility, and thermodynamic stability) indicates that this missense variant is not expected to disrupt CHRNB2 protein function with a negative predictive value of 80%. In summary, the available evidence is currently insufficient to determine the role of this variant in disease. Therefore, it has been classified as a Variant of Uncertain Significance.